The following is an entry in ClinVar:

ClinVar aggregate classification (germline): Uncertain significance (1 of 4 stars; one submission).

Submission:

GeneDx
Classification: Uncertain significance. Last evaluated: 2024-07-15. Review status: criteria provided, single submitter. Criteria: GeneDx Variant Classification Process June 2021. Collection method: clinical testing. Allele origin: germline. Affected: yes.
Comment: Not observed at significant frequency in large population cohorts (gnomAD); In silico analysis indicates that this variant does not alter splicing; Has not been previously published as pathogenic or benign to our knowledge

NM_015378.4(VPS13D):c.8626+4C>A

Gene: VPS13D (vacuolar protein sorting 13 homolog D; plus strand). Cytogenetic location: 1p36.22.
Variant type: single nucleotide variant.
Coding change: c.8626+4C>A on transcript NM_015378.4 (MANE Select); 4 bases into the intron after coding-DNA position 8626, C replaced by A.
Molecular consequence: intron variant.
Genome position (GRCh38, 1-based): chr1:12,338,309, C>A. VCF-style: chr1-12338309-C-A. GRCh37 (hg19) VCF-style: chr1-12398366-C-A.
Other names: c.8551+2482C>A (NM_018156.4).
Identifiers: ClinVar variation 3573554 (VCV003573554.1).